The following is an entry in ClinVar:

NM_005051.3(QARS1):c.793C>A (p.Arg265Ser)

Gene: QARS1 (glutaminyl-tRNA synthetase 1; minus strand). Cytogenetic location: 3p21.31.
Variant type: single nucleotide variant.
Coding change: c.793C>A on transcript NM_005051.3 (MANE Select); coding-DNA position 793, C replaced by A.
Protein change: p.Arg265Ser; replaces arginine 265 with serine.
Molecular consequence: missense variant. On other transcripts: non-coding transcript variant (1).
Genome position (GRCh38, 1-based): chr3:49,101,438, G>T on the plus strand (C>A on the coding strand, the complement: QARS1 is on the minus strand). VCF-style: chr3-49101438-G-T. GRCh37 (hg19) VCF-style: chr3-49138871-G-T.
Other names: c.760C>A, p.Arg254Ser (NM_001272073.2); short protein forms R254S, R265S.
Identifiers: ClinVar variation 855422 (VCV000855422.6), dbSNP rs1559968699, ClinGen allele CA352714333.

ClinVar aggregate classification (germline): Uncertain significance (1 of 4 stars; one submission).

Conditions:
Diffuse cerebral and cerebellar atrophy - intractable seizures - progressive microcephaly syndrome. Also called: Microcephaly, progressive, with seizures and cerebral and cerebellar atrophy. Identifiers: Orphanet 404437, MedGen C4014239, MONDO:0014335, OMIM 615760.

Allele frequency attached by ClinVar (database versions not stated): gnomAD exomes below 0.00001.
gnomAD v4.1: 1 of 1,612,022 alleles (0.000062%); no homozygotes.

Submission:

Labcorp Genetics (formerly Invitae), Labcorp
Classification: Uncertain significance for Diffuse cerebral and cerebellar atrophy - intractable seizures - progressive microcephaly syndrome. Last evaluated: 2022-11-08. Review status: criteria provided, single submitter. Criteria: Invitae Variant Classification Sherloc (09022015). Collection method: clinical testing. Allele origin: germline.
Comment: In summary, the available evidence is currently insufficient to determine the role of this variant in disease. Therefore, it has been classified as a Variant of Uncertain Significance. Advanced modeling of protein sequence and biophysical properties (such as structural, functional, and spatial information, amino acid conservation, physicochemical variation, residue mobility, and thermodynamic stability) has been performed at Invitae for this missense variant, however the output from this modeling did not meet the statistical confidence thresholds required to predict the impact of this variant on QARS protein function. ClinVar contains an entry for this variant (Variation ID: 855422). This variant has not been reported in the literature in individuals affected with QARS-related conditions. This variant is not present in population databases (gnomAD no frequency). This sequence change replaces arginine, which is basic and polar, with serine, which is neutral and polar, at codon 265 of the QARS protein (p.Arg265Ser).